The following is an entry in ClinVar:

ClinVar aggregate classification (germline): Pathogenic (1 of 4 stars; one submission).

Submission:

Labcorp Genetics (formerly Invitae), Labcorp
Classification: Pathogenic. Last evaluated: 2024-08-16. Review status: criteria provided, single submitter. Criteria: Invitae Variant Classification Sherloc (09022015). Collection method: clinical testing. Allele origin: germline.
Comment: This sequence change creates a premature translational stop signal (p.Trp172*) in the FBXL4 gene. It is expected to result in an absent or disrupted protein product. Loss-of-function variants in FBXL4 are known to be pathogenic (PMID: 23993193, 23993194, 25868664). This variant is not present in population databases (gnomAD no frequency). This variant has not been reported in the literature in individuals affected with FBXL4-related conditions. For these reasons, this variant has been classified as Pathogenic.

Literature cited by the submitters: PubMed 23993193; PubMed 23993194; PubMed 25868664.

NM_001278716.2(FBXL4):c.516G>A (p.Trp172Ter)

Gene: FBXL4 (F-box and leucine rich repeat protein 4; minus strand). Cytogenetic location: 6q16.2.
Variant type: single nucleotide variant.
Coding change: c.516G>A on transcript NM_001278716.2 (MANE Select); coding-DNA position 516, G replaced by A.
Protein change: p.Trp172Ter; replaces tryptophan 172 with a stop codon.
Molecular consequence: nonsense.
Genome position (GRCh38, 1-based): chr6:98,917,716, C>T on the plus strand (G>A on the coding strand, the complement: FBXL4 is on the minus strand). VCF-style: chr6-98917716-C-T. GRCh37 (hg19) VCF-style: chr6-99365592-C-T.
Other names: c.516G>A, p.Trp172Ter (NM_012160.5); short protein forms W172*.
Identifiers: ClinVar variation 3662602 (VCV003662602.2).
Genomic context (GRCh38, chr6:98,917,716, plus strand): 5'-TTTAAACTGGCGAGCTTGGGAAGCATTCACCTTCGTAGGTCTCTCTGACCAAAGAATCTC[C>T]CATCTGCCAAAAAAAGAAACTTCCCTATAATACAGTTTAGAATGAGATCTACTGGTCCCT-3'